The following is an entry in ClinVar:

NM_207037.2(TCF12):c.1638C>T (p.Asn546=)

Gene: TCF12 (transcription factor 12; plus strand). Cytogenetic location: 15q21.3.
Variant type: single nucleotide variant.
Coding change: c.1638C>T on transcript NM_207037.2 (MANE Select); coding-DNA position 1638, C replaced by T.
Protein change: p.Asn546=; no amino-acid change (asparagine 546 retained).
Molecular consequence: synonymous variant.
Genome position (GRCh38, 1-based): chr15:57,263,167, C>T. VCF-style: chr15-57263167-C-T. GRCh37 (hg19) VCF-style: chr15-57555365-C-T.
Other names: c.1128C>T, p.Asn376= (NM_001306219.3); c.858C>T, p.Asn286= (NM_001306220.3); c.1638C>T, p.Asn546= (NM_001322151.2, NM_001322152.2, NM_001322159.3 and 2 more transcripts); c.981C>T, p.Asn327= (NM_001322154.2); c.1464C>T, p.Asn488= (NM_001322156.2); c.1566C>T, p.Asn522= (NM_001322157.3, NM_001322165.2, NM_003205.4 and 1 more transcripts); c.1392C>T, p.Asn464= (NM_001322158.2); c.1635C>T, p.Asn545= (NM_001322161.2); and 2 more.
Identifiers: ClinVar variation 776892 (VCV000776892.27), dbSNP rs114632960, ClinGen allele CA7581326.

ClinVar aggregate classification (germline): Benign/Likely benign. Review status: criteria provided, multiple submitters, no conflicts (2 of 4 stars). 5 submissions from 5 submitters: Benign (1); Likely benign (4). Last evaluated 2025-06-11.

Conditions:
TCF12-related disorder. Also called: TCF12-related condition.

Allele frequency attached by ClinVar (database versions not stated): gnomAD exomes 0.00088; ExAC 0.00111; 1000 Genomes Project 0.00339; 1000 Genomes Project 30x 0.00344; ESP Exome Variant Server 0.00370; gnomAD 0.00377 and 0.00401; TOPMed 0.00386.
gnomAD v4.1: 1,142 of 1,612,876 alleles (0.071%); highest among the groups gnomAD compares: African/African-American, 1.3%; 4 homozygotes.

Submissions (5):

Labcorp Genetics (formerly Invitae), Labcorp
Classification: Benign. Last evaluated: 2025-06-11. Review status: criteria provided, single submitter. Criteria: Invitae Variant Classification Sherloc (09022015). Collection method: clinical testing. Allele origin: germline.

PreventionGenetics, part of Exact Sciences
Classification: Likely benign for TCF12-related condition. Last evaluated: 2025-03-11. Review status: criteria provided, single submitter. Criteria: ACMG Guidelines, 2015. Collection method: clinical testing. Allele origin: germline.
Comment: This variant is classified as likely benign based on ACMG/AMP sequence variant interpretation guidelines (Richards et al. 2015 PMID: 25741868, with internal and published modifications).

CeGaT Center for Human Genetics Tuebingen
Classification: Likely benign. Last evaluated: 2025-02-01. Review status: criteria provided, single submitter. Criteria: CeGaT Center For Human Genetics Tuebingen Variant Classification Criteria Version 2. Collection method: clinical testing. Allele origin: germline. Affected: yes. Observed: 1 variant allele.
Comment: TCF12: BP4, BP7, BS1

Blueprint Genetics
Classification: Likely benign. Last evaluated: 2024-10-08. Review status: criteria provided, single submitter. Criteria: ACMG Guidelines, 2015. Collection method: clinical testing. Allele origin: germline.

GeneDx
Classification: Likely benign. Last evaluated: 2020-10-08. Review status: criteria provided, single submitter. Criteria: GeneDx Variant Classification Process June 2021. Collection method: clinical testing. Allele origin: germline. Affected: yes.